The following is an entry in ClinVar:

ClinVar aggregate classification (germline): Uncertain significance (1 of 4 stars; one submission).

Allele frequency attached by ClinVar (database versions not stated): gnomAD exomes below 0.00001 and 0.00001.
gnomAD v4.1: 3 of 1,543,270 alleles (0.00019%); highest among the groups gnomAD compares: African/African-American, 0.0014%; no homozygotes.

Submission:

Labcorp Genetics (formerly Invitae), Labcorp
Classification: Uncertain significance. Last evaluated: 2023-08-04. Review status: criteria provided, single submitter. Criteria: Invitae Variant Classification Sherloc (09022015). Collection method: clinical testing. Allele origin: germline.
Comment: This variant is present in population databases (no rsID available, gnomAD 0.002%). This variant has not been reported in the literature in individuals affected with EYS-related conditions. ClinVar contains an entry for this variant (Variation ID: 1445189). Algorithms developed to predict the effect of missense changes on protein structure and function output the following: SIFT: "Not Available"; PolyPhen-2: "Benign"; Align-GVGD: "Not Available". The arginine amino acid residue is found in multiple mammalian species, which suggests that this missense change does not adversely affect protein function. In summary, the available evidence is currently insufficient to determine the role of this variant in disease. Therefore, it has been classified as a Variant of Uncertain Significance. This sequence change replaces histidine, which is basic and polar, with arginine, which is basic and polar, at codon 2169 of the EYS protein (p.His2169Arg).

NM_001142800.2(EYS):c.6506A>G (p.His2169Arg)

Gene: EYS (EGF-like photoreceptor maintenance factor; minus strand). Cytogenetic location: 6q12.
Variant type: single nucleotide variant.
Coding change: c.6506A>G on transcript NM_001142800.2 (MANE Select); coding-DNA position 6506, A replaced by G.
Protein change: p.His2169Arg; replaces histidine 2169 with arginine.
Molecular consequence: missense variant.
Genome position (GRCh38, 1-based): chr6:64,081,921, T>C on the plus strand (A>G on the coding strand, the complement: EYS is on the minus strand). VCF-style: chr6-64081921-T-C. GRCh37 (hg19) VCF-style: chr6-64791814-T-C.
Other names: c.6506A>G, p.His2169Arg (NM_001292009.2); short protein forms H2169R.
Identifiers: ClinVar variation 1445189 (VCV001445189.6), dbSNP rs1426659267, ClinGen allele CA364390935.